The following is an entry in ClinVar:

NM_152703.5(SAMD9L):c.3718C>T (p.Pro1240Ser)

Gene: SAMD9L (sterile alpha motif domain containing 9 like; minus strand). Cytogenetic location: 7q21.2.
Variant type: single nucleotide variant.
Coding change: c.3718C>T on transcript NM_152703.5 (MANE Select); coding-DNA position 3718, C replaced by T.
Protein change: p.Pro1240Ser; replaces proline 1240 with serine.
Molecular consequence: missense variant.
Genome position (GRCh38, 1-based): chr7:93,132,254, G>A on the plus strand (C>T on the coding strand, the complement: SAMD9L is on the minus strand). VCF-style: chr7-93132254-G-A. GRCh37 (hg19) VCF-style: chr7-92761567-G-A.
Other names: c.3718C>T, p.Pro1240Ser (NM_001303496.3, NM_001303497.3, NM_001303498.3 and 5 more transcripts); short protein forms P1240S.
Identifiers: ClinVar variation 3792426 (VCV003792426.1).
Genomic context (GRCh38, chr7:93,132,254, plus strand): 5'-AATTTTTTAGGTGGGATGTGAACTTGCTAAGAGCCAAATAACATTCATTTCTGGGATCAG[G>A]AGGAATGGTCCACTTTCCTGATAAAAATTGCACCATATGTTTTTTGGATAATTCATTTTC-3'
Protein context (NP_689916.2, residues 1230-1250): QFLSGKWTIP[Pro1240Ser]DPRNECYLAL

ClinVar aggregate classification (germline): Uncertain significance (1 of 4 stars; one submission).

Conditions:
Inborn genetic diseases. Identifiers: MedGen C0950123, MeSH D030342.

Submission:

Ambry Genetics
Classification: Uncertain significance for Inborn genetic diseases. Last evaluated: 2025-02-15. Review status: criteria provided, single submitter. Criteria: Ambry Variant Classification Scheme 2023. Collection method: clinical testing. Allele origin: germline.
Comment: The p.P1240S variant (also known as c.3718C>T), located in coding exon 1 of the SAMD9L gene, results from a C to T substitution at nucleotide position 3718. The proline at codon 1240 is replaced by serine, an amino acid with similar properties. This amino acid position is conserved. In addition, this alteration is predicted to be tolerated by in silico analysis. Based on the available evidence, the clinical significance of this variant remains unclear.